The following is an entry in ClinVar:

NM_012310.5(KIF4A):c.2710G>C (p.Glu904Gln)

Gene: KIF4A (kinesin family member 4A; plus strand). Cytogenetic location: Xq13.1.
Variant type: single nucleotide variant.
Coding change: c.2710G>C on transcript NM_012310.5 (MANE Select); coding-DNA position 2710, G replaced by C.
Protein change: p.Glu904Gln; replaces glutamic acid 904 with glutamine.
Molecular consequence: missense variant.
Genome position (GRCh38, 1-based): chrX:70,403,954, G>C. VCF-style: chrX-70403954-G-C. GRCh37 (hg19) VCF-style: chrX-69623804-G-C.
Other names: short protein forms E904Q.
Identifiers: ClinVar variation 3252630 (VCV003252630.2), dbSNP rs2519694326.
Genomic context (GRCh38, chrX:70,403,954, plus strand): 5'-CTTGAAAGCAGCCTGAAACAGAGCAAGACCAGCTGTGCTGACATGCAGAAGATGCTGTTT[G>C]AGGAACGAAATCATTTTGCCGAGATAGAGACAGAGTTACAAGCTGAGCTGGTCAGAATGG-3'
Protein context (NP_036442.3, residues 894-914): SCADMQKMLF[Glu904Gln]ERNHFAEIET

ClinVar aggregate classification (germline): Uncertain significance. Review status: criteria provided, multiple submitters, no conflicts (2 of 4 stars). 2 submissions from 2 submitters: Uncertain significance (2). Last evaluated 2023-10-03.

Submissions (2):

GeneDx
Classification: Uncertain significance. Last evaluated: 2023-10-03. Review status: criteria provided, single submitter. Criteria: GeneDx Variant Classification Process June 2021. Collection method: clinical testing. Allele origin: germline. Affected: yes.
Comment: Not observed at significant frequency in large population cohorts (gnomAD); In silico analysis supports that this missense variant does not alter protein structure/function; Has not been previously published as pathogenic or benign to our knowledge

Blueprint Genetics
Classification: Uncertain significance. Last evaluated: 2022-09-01. Review status: criteria provided, single submitter. Criteria: ACMG Guidelines, 2015. Collection method: clinical testing. Allele origin: germline.